The following is an entry in ClinVar:

NM_006939.4(SOS2):c.776G>A (p.Gly259Asp)

Gene: SOS2 (SOS Ras/Rho guanine nucleotide exchange factor 2; minus strand). Cytogenetic location: 14q21.3.
Variant type: single nucleotide variant.
Coding change: c.776G>A on transcript NM_006939.4 (MANE Select); coding-DNA position 776, G replaced by A.
Protein change: p.Gly259Asp; replaces glycine 259 with aspartic acid.
Molecular consequence: missense variant.
Genome position (GRCh38, 1-based): chr14:50,182,545, C>T on the plus strand (G>A on the coding strand, the complement: SOS2 is on the minus strand). VCF-style: chr14-50182545-C-T. GRCh37 (hg19) VCF-style: chr14-50649263-C-T.
Other names: c.776G>A, p.Gly259Asp (NM_001411020.1); short protein forms G259D.
Identifiers: ClinVar variation 3658201 (VCV003658201.2).
Genomic context (GRCh38, chr14:50,182,545, plus strand): 5'-CTGCCAGCTAAGGGATGAGGACTGCTTTCATCAGTCATTTCAACTGTGTCTTCAATCAAA[C>T]CTAAAAGTTTCACAGTCAATTCATGTATATCTGAAATGTTACTAAAAATCTTTTCGATAT-3'
Protein context (NP_008870.2, residues 249-269): DIHELTVKLL[Gly259Asp]LIEDTVEMTD

ClinVar aggregate classification (germline): Uncertain significance (1 of 4 stars; one submission).

Conditions:
Noonan syndrome 9 (NS9). Identifiers: Orphanet 648, MedGen C4225282, MONDO:0014691, OMIM 616559.

Submission:

Labcorp Genetics (formerly Invitae), Labcorp
Classification: Uncertain significance for Noonan syndrome 9. Last evaluated: 2024-06-29. Review status: criteria provided, single submitter. Criteria: Invitae Variant Classification Sherloc (09022015). Collection method: clinical testing. Allele origin: germline.
Comment: This sequence change replaces glycine, which is neutral and non-polar, with aspartic acid, which is acidic and polar, at codon 259 of the SOS2 protein (p.Gly259Asp). This variant is not present in population databases (gnomAD no frequency). This variant has not been reported in the literature in individuals affected with SOS2-related conditions. Advanced modeling of protein sequence and biophysical properties (such as structural, functional, and spatial information, amino acid conservation, physicochemical variation, residue mobility, and thermodynamic stability) performed at Invitae indicates that this missense variant is expected to disrupt SOS2 protein function with a positive predictive value of 80%. In summary, the available evidence is currently insufficient to determine the role of this variant in disease. Therefore, it has been classified as a Variant of Uncertain Significance.